The following is an entry in ClinVar:

NM_001014.5(RPS10):c.268_275del (p.Val90fs)

Genes: RPS10 (ribosomal protein S10; minus strand), RPS10-NUDT3 (RPS10-NUDT3 readthrough; minus strand). Cytogenetic location: 6p21.31.
Variant type: Deletion.
Coding change: c.268_275del on transcript NM_001014.5 (MANE Select); coding-DNA positions 268 to 275, 8 bases deleted (GTGCCTGC; older notation c.268_275delGTGCCTGC).
Protein change: p.Val90fs; shifts the reading frame from valine 90.
Molecular consequence: frameshift variant.
Genome position (GRCh38, 1-based): chr6:34,424,716-34,424,723, GCAGGCAC deleted on the plus strand (GTGCCTGC on the coding strand, the reverse complement: RPS10 is on the minus strand). VCF-style (leftmost placement, unchanged base first): chr6-34424715-GGCAGGCAC-G. GRCh37 (hg19) VCF-style: chr6-34392492-GGCAGGCAC-G.
Other names: c.268_275del, p.Val90fs (NM_001202470.3, NM_001203245.3, NM_001204091.2); short protein forms V90fs.
Identifiers: ClinVar variation 1794680 (VCV001794680.3), dbSNP rs2533030608, ClinGen allele CA2580074411.
Genomic context (GRCh38, chr6:34,424,715, plus strand): 5'-TGTGGGAACCATACCTTTAGGCCGAGGCCTGCCAGTCTCTGGACGGCTACGGCGTAGGGT[GGCAGGCAC>G]AATCTCCGGGGGCAGATGAAGGTAATCACGGAGATACTGGATACCCTCATTGGTAAGGTA-3'

ClinVar aggregate classification (germline): Pathogenic. Review status: criteria provided, multiple submitters, no conflicts (2 of 4 stars). 2 submissions from 2 submitters: Pathogenic (2). Last evaluated 2015-03-09.

Conditions:
Diamond-Blackfan anemia. Also called: Blackfan Diamond syndrome; Aregenerative anemia chronic congenital; Red cell aplasia, pure hereditary; Congenital hypoplastic anemia; Aase syndrome. Identifiers: Orphanet 124, MedGen C1260899, MeSH D029503, MONDO:0015253, HP:0004810.
Diamond-Blackfan anemia 9 (DBA9). Also called: RPS10-Related Diamond-Blackfan Anemia. Identifiers: Orphanet 124, MedGen C2750081, MONDO:0013216, OMIM 613308.

Submissions (2):

Ambry Genetics
Classification: Pathogenic for Diamond-Blackfan anemia. Last evaluated: 2015-03-09. Review status: criteria provided, single submitter. Criteria: Ambry Variant Classification Scheme 2023. Collection method: clinical testing. Allele origin: germline.
Comment: The c.268_275delGTGCCTGC pathogenic mutation (also known as p.C96Hfs*5), located in coding exon 2 of the RPS10 gene, results from a deletion of 8 nucleotides between positions 268 and 275 causing a translational frameshift with a predicted alternate stop codon. Since frameshifts are typically deleterious in nature, this alteration is interpreted as a disease-causing mutation (ACMG Recommendations for Standards for Interpretation and Reporting of Sequence Variations. Revision 2007. Genet Med. 2008;10:294).

BloodGenetics
Classification: Pathogenic for Diamond-Blackfan anemia 9. Review status: criteria provided, single submitter. Criteria: ACMG Guidelines, 2015. Collection method: clinical testing. Allele origin: germline. Inheritance: Autosomal dominant inheritance. Affected: yes. Observed: 1 variant allele.

Literature cited by the submitters: PubMed 30376034 (cited by BloodGenetics).